The following is an entry in ClinVar:

ClinVar aggregate classification (germline): Uncertain significance (1 of 4 stars; one submission).

Conditions:
Severe combined immunodeficiency due to DNA-PKcs deficiency. Also called: IMMUNODEFICIENCY 26 WITH NEUROLOGIC ABNORMALITIES; Immunodeficiency 26 with or without neurologic abnormalities. Identifiers: Orphanet 317425, MedGen C4014833, MONDO:0014423, OMIM 615966.

Submission:

Labcorp Genetics (formerly Invitae), Labcorp
Classification: Uncertain significance for Severe combined immunodeficiency due to DNA-PKcs deficiency. Last evaluated: 2021-03-10. Review status: criteria provided, single submitter. Criteria: Invitae Variant Classification Sherloc (09022015). Collection method: clinical testing. Allele origin: germline.
Comment: This sequence change replaces cysteine with glycine at codon 42 of the PRKDC protein (p.Cys42Gly). The cysteine residue is moderately conserved and there is a large physicochemical difference between cysteine and glycine. The frequency data for this variant in the population databases is considered unreliable, as metrics indicate insufficient coverage at this position in the ExAC database. This variant has not been reported in the literature in individuals with PRKDC-related conditions. Experimental studies and prediction algorithms are not available or were not evaluated, and the functional significance of this variant is currently unknown. In summary, the available evidence is currently insufficient to determine the role of this variant in disease. Therefore, it has been classified as a Variant of Uncertain Significance.

NM_006904.7(PRKDC):c.124T>G (p.Cys42Gly)

Gene: PRKDC (protein kinase, DNA-activated, catalytic subunit; minus strand). Cytogenetic location: 8q11.21.
Variant type: single nucleotide variant.
Coding change: c.124T>G on transcript NM_006904.7 (MANE Select); coding-DNA position 124, T replaced by G.
Protein change: p.Cys42Gly; replaces cysteine 42 with glycine.
Molecular consequence: missense variant.
Genome position (GRCh38, 1-based): chr8:47,960,003, A>C on the plus strand (T>G on the coding strand, the complement: PRKDC is on the minus strand). VCF-style: chr8-47960003-A-C. GRCh37 (hg19) VCF-style: chr8-48872563-A-C.
Other names: c.124T>G, p.Cys42Gly (NM_001081640.2); short protein forms C42G.
Identifiers: ClinVar variation 1515659 (VCV001515659.6), dbSNP rs2154504868, ClinGen allele CA371142689.